The following is an entry in ClinVar:

ClinVar aggregate classification (germline): Likely benign (1 of 4 stars; one submission).

Allele frequency attached by ClinVar (database versions not stated): TOPMed 0.00002; gnomAD 0.00003; gnomAD exomes 0.00006; ESP Exome Variant Server 0.00008; 1000 Genomes Project 30x 0.00016; ExAC 0.00018; 1000 Genomes Project 0.00020.

Submission:

CeGaT Center for Human Genetics Tuebingen
Classification: Likely benign. Last evaluated: 2022-04-01. Review status: criteria provided, single submitter. Criteria: CeGaT Center For Human Genetics Tuebingen Variant Classification Criteria Version 2. Collection method: clinical testing. Allele origin: germline. Affected: yes. Observed: 1 variant allele.
Comment: KRT35: BP4, BP7

NM_002280.6(KRT35):c.1188G>A (p.Thr396=)

Gene: KRT35 (keratin 35; minus strand). Cytogenetic location: 17q21.2.
Variant type: single nucleotide variant.
Coding change: c.1188G>A on transcript NM_002280.6 (MANE Select); coding-DNA position 1188, G replaced by A.
Protein change: p.Thr396=; no amino-acid change (threonine 396 retained).
Molecular consequence: synonymous variant.
Genome position (GRCh38, 1-based): chr17:41,477,550, C>T on the plus strand (G>A on the coding strand, the complement: KRT35 is on the minus strand). VCF-style: chr17-41477550-C-T. GRCh37 (hg19) VCF-style: chr17-39633802-C-T.
Identifiers: ClinVar variation 2647768 (VCV002647768.24), dbSNP rs372948315, ClinGen allele CA8559517.